The following is an entry in ClinVar:

NM_000026.4(ADSL):c.57C>A (p.Ser19=)

Gene: ADSL (adenylosuccinate lyase; plus strand). Cytogenetic location: 22q13.1.
Variant type: single nucleotide variant.
Coding change: c.57C>A on transcript NM_000026.4 (MANE Select); coding-DNA position 57, C replaced by A.
Protein change: p.Ser19=; no amino-acid change (serine 19 retained).
Molecular consequence: synonymous variant. On other transcripts: 5 prime UTR variant (1), non-coding transcript variant (1).
Genome position (GRCh38, 1-based): chr22:40,346,615, C>A. VCF-style: chr22-40346615-C-A. GRCh37 (hg19) VCF-style: chr22-40742619-C-A.
Other names: c.57C>A, p.Ser19= (NM_001123378.3, NM_001363840.3, NM_001410812.1 and 2 more transcripts); c.-81C>A (NM_001317923.2).
Identifiers: ClinVar variation 3029710 (VCV003029710.3), dbSNP rs2518077993, ClinGen allele CA514611929.

ClinVar aggregate classification (germline): Likely benign. Review status: criteria provided, single submitter (1 of 4 stars). 2 submissions from 2 submitters: Likely benign (1). 1 of the submissions does not count toward it. Last evaluated 2025-05-11.

Conditions:
ADSL-related disorder. Also called: ADSL-related condition.
Adenylosuccinate lyase deficiency (ADSLD). Also called: ADSL DEFICIENCY. Identifiers: Orphanet 46, MedGen C0268126, MONDO:0007068, OMIM 103050.

Submissions (2):

Labcorp Genetics (formerly Invitae), Labcorp
Classification: Likely benign for Adenylosuccinate lyase deficiency. Last evaluated: 2025-05-11. Review status: criteria provided, single submitter. Criteria: Invitae Variant Classification Sherloc (09022015). Collection method: clinical testing. Allele origin: germline.

PreventionGenetics, part of Exact Sciences
Classification: Likely benign for ADSL-related condition. Last evaluated: 2021-10-18. Review status: no assertion criteria provided. Collection method: clinical testing. Allele origin: germline. Not counted in ClinVar's aggregate classification.
Comment: This variant is classified as likely benign based on ACMG/AMP sequence variant interpretation guidelines (Richards et al. 2015 PMID: 25741868, with internal and published modifications).